The following is an entry in ClinVar:

NM_014141.6(CNTNAP2):c.3811G>C (p.Val1271Leu)

Gene: CNTNAP2 (contactin associated protein 2; plus strand). Cytogenetic location: 7q36.1.
Variant type: single nucleotide variant.
Coding change: c.3811G>C on transcript NM_014141.6 (MANE Select); coding-DNA position 3811, G replaced by C.
Protein change: p.Val1271Leu; replaces valine 1271 with leucine.
Molecular consequence: missense variant.
Genome position (GRCh38, 1-based): chr7:148,415,431, G>C. VCF-style: chr7-148415431-G-C. GRCh37 (hg19) VCF-style: chr7-148112523-G-C.
Other names: short protein forms V1271L.
Identifiers: ClinVar variation 1056241 (VCV001056241.6), dbSNP rs773493508, ClinGen allele CA369706670.

ClinVar aggregate classification (germline): Uncertain significance (1 of 4 stars; one submission).

Conditions:
Cortical dysplasia-focal epilepsy syndrome (PTHSL1). Also called: Pitt-Hopkins-like syndrome 1. Identifiers: Orphanet 163681, Orphanet 221150, MedGen C2750246, MONDO:0012400, OMIM 610042.

gnomAD v4.1: 2 of 1,613,942 alleles (0.00012%); highest among the groups gnomAD compares: Non-Finnish European, 0.00017%; no homozygotes.

Submission:

Labcorp Genetics (formerly Invitae), Labcorp
Classification: Uncertain significance for Cortical dysplasia-focal epilepsy syndrome. Last evaluated: 2021-08-27. Review status: criteria provided, single submitter. Criteria: Invitae Variant Classification Sherloc (09022015). Collection method: clinical testing. Allele origin: germline.
Comment: This sequence change replaces valine with leucine at codon 1271 of the CNTNAP2 protein (p.Val1271Leu). The valine residue is highly conserved and there is a small physicochemical difference between valine and leucine. This variant is not present in population databases (ExAC no frequency). This variant has not been reported in the literature in individuals affected with CNTNAP2-related conditions. Algorithms developed to predict the effect of missense changes on protein structure and function are either unavailable or do not agree on the potential impact of this missense change (SIFT: "Deleterious"; PolyPhen-2: "Benign"; Align-GVGD: "Class C0"). In summary, the available evidence is currently insufficient to determine the role of this variant in disease. Therefore, it has been classified as a Variant of Uncertain Significance.